The following is an entry in ClinVar:

NM_001005361.3(DNM2):c.1998C>G (p.Ile666Met)

Gene: DNM2 (dynamin 2; plus strand). Cytogenetic location: 19p13.2.
Variant type: single nucleotide variant.
Coding change: c.1998C>G on transcript NM_001005361.3 (MANE Select); coding-DNA position 1998, C replaced by G.
Protein change: p.Ile666Met; replaces isoleucine 666 with methionine.
Molecular consequence: missense variant.
Genome position (GRCh38, 1-based): chr19:10,825,161, C>G. VCF-style: chr19-10825161-C-G. GRCh37 (hg19) VCF-style: chr19-10935837-C-G.
Other names: c.1998C>G, p.Ile666Met (NM_001005360.3, NM_001190716.2); c.1986C>G, p.Ile662Met (NM_001005362.3, NM_004945.4); short protein forms I662M, I666M.
Identifiers: ClinVar variation 1047426 (VCV001047426.8), dbSNP rs2073100886, ClinGen allele CA404041581.

ClinVar aggregate classification (germline): Uncertain significance (1 of 4 stars; one submission).

Conditions:
Charcot-Marie-Tooth disease dominant intermediate B (CMTDIB). Also called: CHARCOT-MARIE-TOOTH NEUROPATHY, DOMINANT INTERMEDIATE B; Charcot-Marie-Tooth disease dominant intermediate 1; CMT DI1; Charcot-Marie-Tooth disease dominant intermediate I. Identifiers: Orphanet 100044, Orphanet 228179, MedGen C1847902, MONDO:0011674, OMIM 606482.

Submission:

Labcorp Genetics (formerly Invitae), Labcorp
Classification: Uncertain significance for Charcot-Marie-Tooth disease dominant intermediate B. Last evaluated: 2022-03-09. Review status: criteria provided, single submitter. Criteria: Invitae Variant Classification Sherloc (09022015). Collection method: clinical testing. Allele origin: germline.
Comment: This variant is not present in population databases (gnomAD no frequency). This sequence change replaces isoleucine, which is neutral and non-polar, with methionine, which is neutral and non-polar, at codon 666 of the DNM2 protein (p.Ile666Met). This variant has not been reported in the literature in individuals affected with DNM2-related conditions. ClinVar contains an entry for this variant (Variation ID: 1047426). Algorithms developed to predict the effect of missense changes on protein structure and function are either unavailable or do not agree on the potential impact of this missense change (SIFT: "Deleterious"; PolyPhen-2: "Probably Damaging"; Align-GVGD: "Class C0"). In summary, the available evidence is currently insufficient to determine the role of this variant in disease. Therefore, it has been classified as a Variant of Uncertain Significance.